The following is an entry in ClinVar:

NM_005787.6(ALG3):c.452C>T (p.Pro151Leu)

Gene: ALG3 (ALG3 alpha-1,3- mannosyltransferase; minus strand). Cytogenetic location: 3q27.1.
Variant type: single nucleotide variant.
Coding change: c.452C>T on transcript NM_005787.6 (MANE Select); coding-DNA position 452, C replaced by T.
Protein change: p.Pro151Leu; replaces proline 151 with leucine.
Molecular consequence: missense variant. On other transcripts: non-coding transcript variant (2).
Genome position (GRCh38, 1-based): chr3:184,245,351, G>A on the plus strand (C>T on the coding strand, the complement: ALG3 is on the minus strand). VCF-style: chr3-184245351-G-A. GRCh37 (hg19) VCF-style: chr3-183963139-G-A.
Other names: c.308C>T, p.Pro103Leu (NM_001006941.2); short protein forms P103L, P151L.
Identifiers: ClinVar variation 4681097 (VCV004681097.1).

ClinVar aggregate classification (germline): Uncertain significance (1 of 4 stars; one submission).

Submission:

GeneDx
Classification: Uncertain significance. Last evaluated: 2025-06-30. Review status: criteria provided, single submitter. Criteria: GeneDx Variant Classification Process June 2021. Collection method: clinical testing. Allele origin: germline. Affected: yes.
Comment: Not observed at significant frequency in large population cohorts (gnomAD); In silico analysis supports that this missense variant has a deleterious effect on protein structure/function; Has not been previously published as pathogenic or benign to our knowledge